The following is an entry in ClinVar:

NM_000059.4(BRCA2):c.1227G>A (p.Glu409=)

Gene: BRCA2 (BRCA2 DNA repair associated; plus strand). Cytogenetic location: 13q13.1.
Variant type: single nucleotide variant.
Coding change: c.1227G>A on transcript NM_000059.4 (MANE Select); coding-DNA position 1227, G replaced by A.
Protein change: p.Glu409=; no amino-acid change (glutamic acid 409 retained).
Molecular consequence: synonymous variant.
Genome position (GRCh38, 1-based): chr13:32,332,705, G>A. VCF-style: chr13-32332705-G-A. GRCh37 (hg19) VCF-style: chr13-32906842-G-A.
Identifiers: ClinVar variation 427530 (VCV000427530.3), dbSNP rs1131692145, ClinGen allele CA483436466.
Genomic context (GRCh38, chr13:32,332,705, plus strand): 5'-GTCTTTGGCCTGTGAATGGTCTCAACTAACCCTTTCAGGTCTAAATGGAGCCCAGATGGA[G>A]AAAATACCCCTATTGCATATTTCTTCATGTGACCAAAATATTTCAGAAAAAGACCTATTA-3'
Protein context (NP_000050.3, residues 399-419): TLSGLNGAQM[Glu409=]KIPLLHISSC

ClinVar aggregate classification (germline): Likely benign (3 of 4 stars; one submission).

Conditions:
Breast-ovarian cancer, familial, susceptibility to, 2 (BROVCA2). Also called: BRCA2 Hereditary Breast and Ovarian Cancer. Identifiers: Orphanet 145, MedGen C2675520, MONDO:0012933, OMIM 612555. Disease mechanism: loss of function.

Submission:

Evidence-based Network for the Interpretation of Germline Mutant Alleles (ENIGMA)
Classification: Likely benign for Breast-ovarian cancer, familial, susceptibility to, 2. Last evaluated: 2017-06-29. Review status: reviewed by expert panel. Criteria: ENIGMA BRCA1/2 Classification Criteria (2017-06-29). Collection method: curation. Allele origin: germline.
Comment: Synonymous substitution variant, with low bioinformatic likelihood to result in a splicing aberration (Splicing prior probability 0.02).